The following is an entry in ClinVar:

NM_177438.3(DICER1):c.3687C>T (p.Pro1229=)

Gene: DICER1 (dicer 1, ribonuclease III; minus strand). Cytogenetic location: 14q32.13.
Variant type: single nucleotide variant.
Coding change: c.3687C>T on transcript NM_177438.3 (MANE Select); coding-DNA position 3687, C replaced by T.
Protein change: p.Pro1229=; no amino-acid change (proline 1229 retained).
Molecular consequence: synonymous variant. On other transcripts: non-coding transcript variant (6).
Genome position (GRCh38, 1-based): chr14:95,103,709, G>A on the plus strand (C>T on the coding strand, the complement: DICER1 is on the minus strand). VCF-style: chr14-95103709-G-A. GRCh37 (hg19) VCF-style: chr14-95570046-G-A.
Other names: c.3687C>T, p.Pro1229= (NM_001195573.1, NM_001271282.3, NM_001291628.2 and 12 more transcripts); c.3405C>T, p.Pro1135= (NM_001395686.1); c.3282C>T, p.Pro1094= (NM_001395687.1, NM_001395688.1, NM_001395689.1 and 2 more transcripts); c.3120C>T, p.Pro1040= (NM_001395691.1); c.2004C>T, p.Pro668= (NM_001395697.1).
Identifiers: ClinVar variation 4875834 (VCV004875834.1).

ClinVar aggregate classification (germline): Benign (1 of 4 stars; one submission).

Conditions:
DICER1-related tumor predisposition. Also called: DICER1-related pleuropulmonary blastoma cancer predisposition syndrome; DICER1 syndrome. Identifiers: Orphanet 284343, MedGen C3839822, MONDO:0100216.

Submission:

Myriad Genetics, Inc.
Classification: Benign for DICER1-related tumor predisposition. Last evaluated: 2026-04-17. Review status: criteria provided, single submitter. Criteria: Myriad Autosomal Dominant, Autosomal Recessive and X-Linked Classification Criteria (2023). Collection method: clinical testing. Allele origin: unknown.
Comment: This variant is considered benign. This variant is a silent/synonymous amino acid change and it is not expected to impact splicing.